The following is an entry in ClinVar:

NM_006393.3(NEBL):c.904C>G (p.Arg302Gly)

Gene: NEBL (nebulette; minus strand). Cytogenetic location: 10p12.31.
Variant type: single nucleotide variant.
Coding change: c.904C>G on transcript NM_006393.3 (MANE Select); coding-DNA position 904, C replaced by G.
Protein change: p.Arg302Gly; replaces arginine 302 with glycine.
Molecular consequence: missense variant. On other transcripts: intron variant (9).
Genome position (GRCh38, 1-based): chr10:20,852,649, G>C on the plus strand (C>G on the coding strand, the complement: NEBL is on the minus strand). VCF-style: chr10-20852649-G-C. GRCh37 (hg19) VCF-style: chr10-21141578-G-C.
Other names: c.250-39709C>G (NM_001377326.1, NM_001377327.1, NM_001377328.1); c.358-39709C>G (NM_213569.2, NM_001173484.2, NM_001377322.1); c.301-39709C>G (NM_001377324.1); c.292-39709C>G (NM_001377325.1); c.310-39709C>G (NM_001377323.1); short protein forms R302G.
Identifiers: ClinVar variation 4718877 (VCV004718877.1).

ClinVar aggregate classification (germline): Uncertain significance (1 of 4 stars; one submission).

Conditions:
Primary dilated cardiomyopathy (DCM). Also called: Dilated Cardiomyopathy. Identifiers: Orphanet 217604, MedGen C0007193, MeSH D002311, MONDO:0005021, HP:0001644. Inheritance: Various modes of inheritance.

gnomAD v4.1: 17 of 1,599,632 alleles (0.0011%); highest among the groups gnomAD compares: Admixed American, 0.027%; 1 homozygote.

Submission:

Labcorp Genetics (formerly Invitae), Labcorp
Classification: Uncertain significance for Primary dilated cardiomyopathy. Last evaluated: 2025-04-29. Review status: criteria provided, single submitter. Criteria: Invitae Variant Classification Sherloc (09022015). Collection method: clinical testing. Allele origin: germline.
Comment: This sequence change replaces arginine, which is basic and polar, with glycine, which is neutral and non-polar, at codon 302 of the NEBL protein (p.Arg302Gly). This variant is present in population databases (rs149737043, gnomAD 0.04%). This variant has not been reported in the literature in individuals affected with NEBL-related conditions. An algorithm developed to predict the effect of missense changes on protein structure and function (PolyPhen-2) suggests that this variant is likely to be tolerated. In summary, the available evidence is currently insufficient to determine the role of this variant in disease. Therefore, it has been classified as a Variant of Uncertain Significance.